The following is an entry in ClinVar:

ClinVar aggregate classification (germline): Uncertain significance. Review status: criteria provided, multiple submitters, no conflicts (2 of 4 stars). 2 submissions from 2 submitters: Uncertain significance (2). Last evaluated 2025-12-05.

Allele frequency attached by ClinVar (database versions not stated): gnomAD exomes 0.00001; TOPMed 0.00015; gnomAD 0.00005; 1000 Genomes Project 30x 0.00016; 1000 Genomes Project 0.00020.
gnomAD v4.1: 16 of 1,612,590 alleles (0.00099%); highest among the groups gnomAD compares: Admixed American, 0.017%; no homozygotes.

Submissions (2):

Labcorp Genetics (formerly Invitae), Labcorp
Classification: Uncertain significance. Last evaluated: 2025-12-05. Review status: criteria provided, single submitter. Criteria: Invitae Variant Classification Sherloc (09022015). Collection method: clinical testing. Allele origin: germline.
Comment: This sequence change creates a premature translational stop signal (p.Glu205*) in the DDX58 gene. It is expected to result in an absent or disrupted protein product. However, the current clinical and genetic evidence is not sufficient to establish whether loss-of-function variants in DDX58 cause disease. This variant is present in population databases (rs192375800, gnomAD 0.0009%). This variant has not been reported in the literature in individuals affected with DDX58-related conditions. ClinVar contains an entry for this variant (Variation ID: 2725054). In summary, the available evidence is currently insufficient to determine the role of this variant in disease. Therefore, it has been classified as a Variant of Uncertain Significance.

Clinical Genetics Laboratory, Skane University Hospital Lund
Classification: Uncertain significance. Last evaluated: 2022-05-27. Review status: criteria provided, single submitter. Criteria: ACMG Guidelines, 2015. Collection method: clinical testing. Allele origin: germline. Affected: yes.

NM_014314.4(RIGI):c.613G>T (p.Glu205Ter)

Gene: RIGI (RNA sensor RIG-I; minus strand). Cytogenetic location: 9p21.1.
Variant type: single nucleotide variant.
Coding change: c.613G>T on transcript NM_014314.4 (MANE Select); coding-DNA position 613, G replaced by T.
Protein change: p.Glu205Ter; replaces glutamic acid 205 with a stop codon.
Molecular consequence: nonsense.
Genome position (GRCh38, 1-based): chr9:32,491,379, C>A on the plus strand (G>T on the coding strand, the complement: RIGI is on the minus strand). VCF-style: chr9-32491379-C-A. GRCh37 (hg19) VCF-style: chr9-32491377-C-A.
Other names: c.613G>T, p.Glu205Ter (NM_001385907.1, NM_001385909.1); c.172G>T, p.Glu58Ter (NM_001385910.1, NM_001385914.1); c.4G>T, p.Glu2Ter (NM_001385912.1); c.598G>T, p.Glu200Ter (NM_001385913.1); short protein forms E200*, E205*, E58*, E2*.
Identifiers: ClinVar variation 2725054 (VCV002725054.4), dbSNP rs192375800, ClinGen allele CA5020026.